The following is an entry in ClinVar:

NM_030777.4(SLC2A10):c.1489G>A (p.Val497Ile)

Gene: SLC2A10 (solute carrier family 2 member 10; plus strand). Cytogenetic location: 20q13.12.
Variant type: single nucleotide variant.
Coding change: c.1489G>A on transcript NM_030777.4 (MANE Select); coding-DNA position 1489, G replaced by A.
Protein change: p.Val497Ile; replaces valine 497 with isoleucine.
Molecular consequence: missense variant.
Genome position (GRCh38, 1-based): chr20:46,729,430, G>A. VCF-style: chr20-46729430-G-A. GRCh37 (hg19) VCF-style: chr20-45358069-G-A.
Other names: p.Val497Ile; short protein forms V497I.
Identifiers: ClinVar variation 338597 (VCV000338597.15), dbSNP rs758538766, ClinGen allele CA9892231.

ClinVar aggregate classification (germline): Uncertain significance. Review status: criteria provided, multiple submitters, no conflicts (2 of 4 stars). 5 submissions from 5 submitters: Uncertain significance (5). Last evaluated 2025-07-16.

Conditions:
Arterial tortuosity syndrome (ATORS). Identifiers: Orphanet 3342, MedGen C1859726, MONDO:0008818, OMIM 208050.

Allele frequency attached by ClinVar (database versions not stated): TOPMed below 0.00001; ExAC 0.00001.
gnomAD v4.1: 2 of 1,613,890 alleles (0.00012%); highest among the groups gnomAD compares: Non-Finnish European, 0.00017%; no homozygotes.

Submissions (5):

Mayo Clinic Laboratories, Mayo Clinic
Classification: Uncertain significance. Last evaluated: 2025-07-16. Review status: criteria provided, single submitter. Criteria: ACMG Guidelines, 2015. Collection method: clinical testing. Allele origin: germline. Observed: 1 variant allele.
Comment: BP4, PM2_supporting

ARUP Laboratories, Molecular Genetics and Genomics, ARUP Laboratories
Classification: Uncertain significance for Arterial tortuosity syndrome. Last evaluated: 2024-09-24. Review status: criteria provided, single submitter. Criteria: ARUP Molecular Germline Variant Investigation Process 2024. Collection method: clinical testing. Allele origin: germline.
Comment: The SLC2A10 c.1489G>A; p.Val497Ile variant (rs758538766), to our knowledge, is not reported in the medical literature but is reported in ClinVar (Variation ID: 338597). This variant is only observed on one allele in the Genome Aggregation Database (v2.1.1), indicating it is not a common polymorphism. Computational analyses are uncertain whether this variant is neutral or deleterious (REVEL: 0.275). Due to limited information, the clinical significance of this variant is uncertain at this time.

GeneDx
Classification: Uncertain significance. Last evaluated: 2024-05-06. Review status: criteria provided, single submitter. Criteria: GeneDx Variant Classification Process June 2021. Collection method: clinical testing. Allele origin: germline. Affected: yes.
Comment: Not observed at significant frequency in large population cohorts (gnomAD); In silico analysis indicates that this missense variant does not alter protein structure/function; Has not been previously published as pathogenic or benign to our knowledge

Labcorp Genetics (formerly Invitae), Labcorp
Classification: Uncertain significance for Arterial tortuosity syndrome. Last evaluated: 2020-12-22. Review status: criteria provided, single submitter. Criteria: Invitae Variant Classification Sherloc (09022015). Collection method: clinical testing. Allele origin: germline.
Comment: This sequence change replaces valine with isoleucine at codon 497 of the SLC2A10 protein (p.Val497Ile). The valine residue is moderately conserved and there is a small physicochemical difference between valine and isoleucine. This variant is present in population databases (rs758538766, ExAC 0.001%). In summary, the available evidence is currently insufficient to determine the role of this variant in disease. Therefore, it has been classified as a Variant of Uncertain Significance. Advanced modeling of protein sequence and biophysical properties (such as structural, functional, and spatial information, amino acid conservation, physicochemical variation, residue mobility, and thermodynamic stability) performed at Invitae indicates that this missense variant is not expected to disrupt SLC2A10 protein function. This variant has not been reported in the literature in individuals with SLC2A10-related conditions. ClinVar contains an entry for this variant (Variation ID: 338597).

Illumina Laboratory Services, Illumina
Classification: Uncertain significance for Arterial tortuosity syndrome. Last evaluated: 2018-01-13. Review status: criteria provided, single submitter. Criteria: ICSL Variant Classification Criteria 13 December 2019. Collection method: clinical testing. Allele origin: germline.